The following is an entry in ClinVar:

ClinVar aggregate classification (germline): Uncertain significance. Review status: criteria provided, multiple submitters, no conflicts (2 of 4 stars). 3 submissions from 3 submitters: Uncertain significance (3). Last evaluated 2024-08-13.

Conditions:
RYR1-related disorder. Also called: RYR1-related disorders; RYR1-related condition. Identifiers: MedGen CN239331.
Malignant hyperthermia, susceptibility to, 1 (MHS1). Also called: RYR1-Related Malignant Hyperthermia Susceptibility; Anesthesia related hyperthermia; Malignant hyperpyrexia; Fulminating hyperpyrexia; Pharmacogenic myopathy; Malignant hyperthermia suceptibility 1. Identifiers: Orphanet 423, MedGen C2930980, MONDO:0007783, OMIM 145600.
Inborn genetic diseases. Identifiers: MedGen C0950123, MeSH D030342.

Allele frequency attached by ClinVar (database versions not stated): gnomAD exomes below 0.00001.
gnomAD v4.1: 3 of 1,614,234 alleles (0.00019%); highest among the groups gnomAD compares: South Asian, 0.0011%; no homozygotes.

Submissions (3):

All of Us Research Program, National Institutes of Health
Classification: Uncertain significance for Malignant hyperthermia, susceptibility to, 1. Last evaluated: 2024-08-13. Review status: criteria provided, single submitter. Criteria: ACMG Guidelines, 2015. Collection method: clinical testing. Allele origin: germline. Inheritance: Autosomal dominant inheritance. Observed: 1 variant allele, 1 heterozygote.
Comment: This missense variant replaces serine with leucine at codon 4051 of the RYR1 protein. Computational prediction suggests that this variant may not impact protein structure and function (internally defined REVEL score threshold <= 0.5, PMID: 27666373). To our knowledge, functional studies have not been reported for this variant. This variant has not been reported in individuals affected with RYR1-related disorders in the literature. This variant has not been identified in the general population by the Genome Aggregation Database (gnomAD). The available evidence is insufficient to determine the role of this variant in disease conclusively. Therefore, this variant is classified as a Variant of Uncertain Significance.

This study involves interpretation of variants in research participants for the purpose of population health screening. Participant phenotype was not available at the time of variant classification. Additional details can be found in publication PMID: 35346344, PMCID: PMC8962531

Labcorp Genetics (formerly Invitae), Labcorp
Classification: Uncertain significance for RYR1-related disorder. Last evaluated: 2022-07-05. Review status: criteria provided, single submitter. Criteria: Invitae Variant Classification Sherloc (09022015). Collection method: clinical testing. Allele origin: germline.
Comment: This sequence change replaces serine, which is neutral and polar, with leucine, which is neutral and non-polar, at codon 4051 of the RYR1 protein (p.Ser4051Leu). This variant is not present in population databases (gnomAD no frequency). This variant has not been reported in the literature in individuals affected with RYR1-related conditions. ClinVar contains an entry for this variant (Variation ID: 1008471). Advanced modeling of protein sequence and biophysical properties (such as structural, functional, and spatial information, amino acid conservation, physicochemical variation, residue mobility, and thermodynamic stability) performed at Invitae indicates that this missense variant is not expected to disrupt RYR1 protein function. In summary, the available evidence is currently insufficient to determine the role of this variant in disease. Therefore, it has been classified as a Variant of Uncertain Significance.

Ambry Genetics
Classification: Uncertain significance for Inborn genetic diseases. Last evaluated: 2022-06-27. Review status: criteria provided, single submitter. Criteria: Ambry Variant Classification Scheme 2023. Collection method: clinical testing. Allele origin: germline.

NM_000540.3(RYR1):c.12152C>T (p.Ser4051Leu)

Gene: RYR1 (ryanodine receptor 1; plus strand). Cytogenetic location: 19q13.2.
Variant type: single nucleotide variant.
Coding change: c.12152C>T on transcript NM_000540.3 (MANE Select); coding-DNA position 12152, C replaced by T.
Protein change: p.Ser4051Leu; replaces serine 4051 with leucine.
Molecular consequence: missense variant.
Genome position (GRCh38, 1-based): chr19:38,548,290, C>T. VCF-style: chr19-38548290-C-T. GRCh37 (hg19) VCF-style: chr19-39038930-C-T.
Other names: c.12152C>T (NM_000540.2); c.12137C>T, p.Ser4046Leu (NM_001042723.2); short protein forms S4046L, S4051L.
Identifiers: ClinVar variation 1008471 (VCV001008471.7), dbSNP rs1972518441, ClinGen allele CA405665360.